The following is an entry in ClinVar:

NM_213655.5(WNK1):c.3295T>A (p.Tyr1099Asn)

Gene: WNK1 (WNK lysine deficient protein kinase 1; plus strand). Cytogenetic location: 12p13.33.
Variant type: single nucleotide variant.
Coding change: c.3295T>A on transcript NM_213655.5 (MANE Plus Clinical); coding-DNA position 3295, T replaced by A.
Protein change: p.Tyr1099Asn; replaces tyrosine 1099 with asparagine.
Molecular consequence: missense variant. On other transcripts: intron variant (2).
Genome position (GRCh38, 1-based): chr12:868,766, T>A. VCF-style: chr12-868766-T-A. GRCh37 (hg19) VCF-style: chr12-977932-T-A.
Other names: c.3040T>A, p.Tyr1014Asn (NM_001184985.2); c.2140-2499T>A (NM_018979.4, NM_014823.3); short protein forms Y1099N, Y1014N.
Identifiers: ClinVar variation 4987584 (VCV004987584.1).
Genomic context (GRCh38, chr12:868,766, plus strand): 5'-CAGGTTGCAGTGGACTTGAATCAAGAAGAACTGCCTCCTCAATCAGTTGGATTACATGGC[T>A]ACTTGCAGCCTGTGACTGAAGAAAAGCATAATTACCATGCCCCAGAATTGACCGTTTCTG-3'
Protein context (NP_998820.3, residues 1089-1109): LPPQSVGLHG[Tyr1099Asn]LQPVTEEKHN

ClinVar aggregate classification (germline): Uncertain significance (1 of 4 stars; one submission).

Conditions:
WNK1-related disorder. Also called: WNK1-related condition.

gnomAD v4.1: 2 of 1,614,056 alleles (0.00012%); highest among the groups gnomAD compares: African/African-American, 0.0013%; no homozygotes.

Submission:

PreventionGenetics, part of Exact Sciences
Classification: Uncertain significance for WNK1-related condition. Last evaluated: 2025-03-31. Review status: criteria provided, single submitter. Criteria: ACMG Guidelines, 2015. Collection method: clinical testing. Allele origin: germline.
Comment: The WNK1 c.3040T>A variant is predicted to result in the amino acid substitution p.Tyr1014Asn. Of note, in the more commonly reported transcript (NM_018979.3) this variant is in intron (c.2140-2499T>A). To our knowledge, this variant has not been reported in the literature or in a large population database (gnomAD), indicating this variant is rare. At this time, the clinical significance of this variant is uncertain due to the absence of conclusive functional and genetic evidence.